The following is an entry in ClinVar:

NM_004462.5(FDFT1):c.110G>A (p.Ser37Asn)

Gene: FDFT1 (farnesyl-diphosphate farnesyltransferase 1). Cytogenetic location: 8p23.1.
Variant type: single nucleotide variant.
Coding change: c.110G>A on transcript NM_004462.5 (MANE Select); coding-DNA position 110, G replaced by A.
Protein change: p.Ser37Asn; replaces serine 37 with asparagine.
Molecular consequence: missense variant. On other transcripts: 5 prime UTR variant (3), intron variant (1).
Genome position (GRCh38, 1-based): chr8:11,808,804, G>A. VCF-style: chr8-11808804-G-A. GRCh37 (hg19) VCF-style: chr8-11666313-G-A.
Other names: c.110G>A, p.Ser37Asn (NM_001287742.2, NM_001287743.2); c.-83G>A (NM_001287744.2, NM_001287745.2, NM_001287747.2 and 2 more transcripts); c.287G>A, p.Ser96Asn (NM_001287750.2); c.64+5894G>A (NM_001287756.2); short protein forms S37N, S96N.
Identifiers: ClinVar variation 1050011 (VCV001050011.1), dbSNP rs558707651, ClinGen allele CA4631616.

ClinVar aggregate classification (germline): Uncertain significance (0 of 4 stars; one submission).

Allele frequency attached by ClinVar (database versions not stated): gnomAD 0.00001 and 0.00003; TOPMed 0.00001; gnomAD exomes 0.00008 and 0.00016; 1000 Genomes Project 30x 0.00016; 1000 Genomes Project 0.00020; ExAC 0.00024.
gnomAD v4.1: 128 of 1,613,538 alleles (0.0079%); highest among the groups gnomAD compares: South Asian, 0.13%; no homozygotes.

Submission:

Department of Pathology and Laboratory Medicine, Sinai Health System
Classification: Uncertain significance. Review status: no assertion criteria provided. Collection method: clinical testing. Allele origin: unknown. Affected: yes. Study: The Canadian Open Genetics Repository (COGR).
Comment: The FDFT1 p.Ser37Asn variant was not identified in the literature nor was it identified in ClinVar or LOVD 3.0. The variant was identified in dbSNP (ID: rs558707651) and in control databases in 41 of 250812 chromosomes at a frequency of 0.0001635 (Genome Aggregation Database March 6, 2019, v2.1.1). The variant was observed in the following populations: South Asian in 38 of 30542 chromosomes (freq: 0.001244) and Other in 3 of 6132 chromosomes (freq: 0.000489), but was not observed in the African, Latino, Ashkenazi Jewish, East Asian, European (Finnish) or European (non-Finnish) populations. The p.Ser37 residue is conserved in mammals but not in more distantly related organisms however four out of five computational analyses (PolyPhen-2, SIFT, AlignGVGD, BLOSUM, MutationTaster) do not suggest a high likelihood of impact to the protein; this information is not predictive enough to rule out pathogenicity. The variant occurs outside of the splicing consensus sequence and three of four in silico or computational prediction software programs (SpliceSiteFinder, MaxEntScan, NNSPLICE, GeneSplicer) do not predict a difference in splicing. In summary, based on the above information the clinical significance of this variant cannot be determined with certainty at this time. This variant is classified as a variant of uncertain significance.